The following is an entry in ClinVar:

NM_014845.6(FIG4):c.2217_2233del (p.Lys740fs)

Gene: FIG4 (FIG4 phosphoinositide 5-phosphatase; plus strand). Cytogenetic location: 6q21.
Variant type: Deletion.
Coding change: c.2217_2233del on transcript NM_014845.6 (MANE Select); coding-DNA positions 2217 to 2233, 17 bases deleted (GAAAACGGCAGCCAGCG).
Protein change: p.Lys740fs; shifts the reading frame from lysine 740.
Molecular consequence: frameshift variant.
Genome position (GRCh38, 1-based): chr6:109,791,412-109,791,428, GAAAACGGCAGCCAGCG deleted; deleting any 17 consecutive bases within chr6:109,791,407-109,791,428 gives the same sequence; the c. name uses the placement nearest the transcript's 3' end. VCF-style (leftmost placement, unchanged base first): chr6-109791406-ACAGCGGAAAACGGCAGC-A. GRCh37 (hg19) VCF-style: chr6-110112609-ACAGCGGAAAACGGCAGC-A.
Other names: short protein forms K740fs.
Identifiers: ClinVar variation 4770098 (VCV004770098.1).

ClinVar aggregate classification (germline): Pathogenic (1 of 4 stars; one submission).

Conditions:
Charcot-Marie-Tooth disease type 4. Also called: Charcot-Marie-Tooth disease, type IV; Charcot-Marie-Tooth, Type 4. Identifiers: Orphanet 64749, MedGen C4082197, MONDO:0018995.

Submission:

Labcorp Genetics (formerly Invitae), Labcorp
Classification: Pathogenic for Charcot-Marie-Tooth disease type 4. Last evaluated: 2025-09-19. Review status: criteria provided, single submitter. Criteria: Invitae Variant Classification Sherloc (09022015). Collection method: clinical testing. Allele origin: germline.
Comment: This sequence change creates a premature translational stop signal (p.Lys740Profs*14) in the FIG4 gene. It is expected to result in an absent or disrupted protein product. Loss-of-function variants in FIG4 are known to be pathogenic (PMID: 23623387, 30740813). This variant is not present in population databases (gnomAD no frequency). This variant has not been reported in the literature in individuals affected with FIG4-related conditions. For these reasons, this variant has been classified as Pathogenic.

Literature cited by the submitters: PubMed 23623387; PubMed 30740813.